The following is an entry in ClinVar:

NM_001291746.2(REL):c.1666A>G (p.Ser556Gly)

Gene: REL (REL proto-oncogene, NF-kB subunit; plus strand). Cytogenetic location: 2p16.1.
Variant type: single nucleotide variant.
Coding change: c.1666A>G on transcript NM_001291746.2 (MANE Select); coding-DNA position 1666, A replaced by G.
Protein change: p.Ser556Gly; replaces serine 556 with glycine.
Molecular consequence: missense variant.
Genome position (GRCh38, 1-based): chr2:60,922,437, A>G. VCF-style: chr2-60922437-A-G. GRCh37 (hg19) VCF-style: chr2-61149572-A-G.
Other names: c.1762A>G (NM_002908.2); c.1762A>G, p.Ser588Gly (NM_002908.4); short protein forms S556G, S588G.
Identifiers: ClinVar variation 2027556 (VCV002027556.4), dbSNP rs563335129, ClinGen allele CA1672517.
Genomic context (GRCh38, chr2:60,922,437, plus strand): 5'-AGTTGTGCAGATAACAGCATGATAAATGAGTCGGGACCATCAAACAGTACTAATCCAAAC[A>G]GTCATGGTTTTGTTCAAGATAGTCAGTATTCAGGTATTGGCAGTATGCAAAATGAGCAAT-3'
Protein context (NP_001278675.1, residues 546-566): SGPSNSTNPN[Ser556Gly]HGFVQDSQYS

ClinVar aggregate classification (germline): Uncertain significance. Review status: criteria provided, multiple submitters, no conflicts (2 of 4 stars). 2 submissions from 2 submitters: Uncertain significance (2). Last evaluated 2025-07-14.

Allele frequency attached by ClinVar (database versions not stated): 1000 Genomes Project 30x 0.00031; ExAC 0.00008; 1000 Genomes Project 0.00020; gnomAD 0.00002.
gnomAD v4.1: 37 of 1,614,058 alleles (0.0023%); highest among the groups gnomAD compares: South Asian, 0.041%; no homozygotes.

Submissions (2):

Labcorp Genetics (formerly Invitae), Labcorp
Classification: Uncertain significance. Last evaluated: 2025-07-14. Review status: criteria provided, single submitter. Criteria: Invitae Variant Classification Sherloc (09022015). Collection method: clinical testing. Allele origin: germline.
Comment: This sequence change replaces serine, which is neutral and polar, with glycine, which is neutral and non-polar, at codon 588 of the REL protein (p.Ser588Gly). This variant is present in population databases (rs563335129, gnomAD 0.06%). This variant has not been reported in the literature in individuals affected with REL-related conditions. ClinVar contains an entry for this variant (Variation ID: 2027556). An algorithm developed to predict the effect of missense changes on protein structure and function outputs the following: PolyPhen-2: "Benign". The glycine amino acid residue is found in multiple mammalian species, which suggests that this missense change does not adversely affect protein function. In summary, the available evidence is currently insufficient to determine the role of this variant in disease. Therefore, it has been classified as a Variant of Uncertain Significance.

Ambry Genetics
Classification: Uncertain significance. Last evaluated: 2024-07-02. Review status: criteria provided, single submitter. Criteria: Ambry Variant Classification Scheme 2023. Collection method: clinical testing. Allele origin: germline.